The following is an entry in ClinVar:

NM_031443.4(CCM2):c.-27_-19dup

Genes: CCM2 (CCM2 scaffold protein; plus strand), LOC129998395 (ATAC-STARR-seq lymphoblastoid silent region 18162; plus strand). Cytogenetic location: 7p13.
Variant type: Duplication.
Coding change: c.-27_-19dup on transcript NM_031443.4 (MANE Select); 27 bases upstream of the start codon through 19 bases upstream of the start codon, 9 bases duplicated (CGGGCCGCG; older notation c.-27_-19dupCGGGCCGCG).
Molecular consequence: 5 prime UTR variant.
Genome position (GRCh38, 1-based): chr7:45,000,307-45,000,315, CGGGCCGCG duplicated; duplicating any 9 consecutive bases within chr7:45,000,306-45,000,315 gives the same sequence; the c. name uses the placement nearest the transcript's 3' end. VCF-style (leftmost placement, unchanged base first): chr7-45000305-G-GGCGGGCCGC. GRCh37 (hg19) VCF-style: chr7-45039904-G-GGCGGGCCGC.
Other names: c.-27_-19dup (NM_001167934.2, NM_001167935.2, NM_001363458.2 and 1 more transcripts); c.-27_-19dupCGGGCCGCG (NM_031443.3).
Identifiers: ClinVar variation 421825 (VCV000421825.1), dbSNP rs1207990370, ClinGen allele CA16618476.
Genomic context (GRCh38, chr7:45,000,305, plus strand): 5'-GCGGCGGGCCCGGGTCGAGCATGTAGCGGCTGCTGGCGGCGGGGCTCCCGGGGCGGGCCG[G>GGCGGGCCGC]GCGGGCCGCGGGAGCCGCACGCGGCGATATGGAAGAGGAGGGCAAGAAGGGCAAGAAGGT-3'

ClinVar aggregate classification (germline): Likely benign (1 of 4 stars; one submission).

Submission:

GeneDx
Classification: Likely benign. Last evaluated: 2016-07-28. Review status: criteria provided, single submitter. Criteria: GeneDx Variant Classification (06012015). Collection method: clinical testing. Allele origin: germline. Affected: yes.
Comment: This variant is considered likely benign or benign based on one or more of the following criteria: it is a conservative change, it occurs at a poorly conserved position in the protein, it is predicted to be benign by multiple in silico algorithms, and/or has population frequency not consistent with disease.